The following is an entry in ClinVar:

NM_017777.4(MKS1):c.1671G>A (p.Leu557=)

Gene: MKS1 (MKS transition zone complex subunit 1; minus strand). Cytogenetic location: 17q22.
Variant type: single nucleotide variant.
Coding change: c.1671G>A on transcript NM_017777.4 (MANE Select); coding-DNA position 1671, G replaced by A.
Protein change: p.Leu557=; no amino-acid change (leucine 557 retained).
Molecular consequence: synonymous variant. On other transcripts: missense variant (1), 3 prime UTR variant (1).
Genome position (GRCh38, 1-based): chr17:58,206,088, C>T on the plus strand (G>A on the coding strand, the complement: MKS1 is on the minus strand). VCF-style: chr17-58206088-C-T. GRCh37 (hg19) VCF-style: chr17-56283449-C-T.
Other names: c.1062G>A, p.Leu354= (NM_001321268.2); c.1588G>A, p.Gly530Ser (NM_001321269.2); c.*83G>A (NM_001330397.2); c.1588G>A (NM_001321269.1); short protein forms G530S.
Identifiers: ClinVar variation 971588 (VCV000971588.43), dbSNP rs11548967, ClinGen allele CA8669047.

ClinVar aggregate classification (germline): Likely benign. Review status: criteria provided, multiple submitters, no conflicts (2 of 4 stars). 5 submissions from 5 submitters: Likely benign (3). 2 of the submissions do not count toward it. Last evaluated 2026-01-18.

Conditions:
Meckel-Gruber syndrome. Also called: DYSENCEPHALIA SPLANCHNOCYSTICA; GRUBER SYNDROME; Dysencephalia splachnocystica. Identifiers: Orphanet 564, MedGen C0265215, MONDO:0018921.
Joubert syndrome. Also called: JOUBERT-BOLTSHAUSER SYNDROME; Familial aplasia of the vermis. Identifiers: Orphanet 475, MedGen C5979921, MONDO:0018772.
MKS1-related disorder. Also called: MKS1-related condition; MKS1-related disorders. Identifiers: MedGen CN239382.
Meckel syndrome, type 1 (MKS1). Also called: MECKEL-GRUBER SYNDROME, TYPE 1. Identifiers: Orphanet 564, MedGen C3714506, MONDO:0009571, OMIM 249000.

gnomAD v4.1: 68 of 1,611,202 alleles (0.0042%); highest among the groups gnomAD compares: Middle Eastern, 0.035%; no homozygotes.

Submissions (5):

Labcorp Genetics (formerly Invitae), Labcorp
Classification: Likely benign for Joubert syndrome; Meckel-Gruber syndrome. Last evaluated: 2026-01-18. Review status: criteria provided, single submitter. Criteria: Invitae Variant Classification Sherloc (09022015). Collection method: clinical testing. Allele origin: germline.

Blueprint Genetics
Classification: Likely benign. Last evaluated: 2024-11-26. Review status: criteria provided, single submitter. Criteria: ACMG Guidelines, 2015. Collection method: clinical testing. Allele origin: germline.

CeGaT Center for Human Genetics Tuebingen
Classification: Likely benign. Last evaluated: 2021-10-01. Review status: criteria provided, single submitter. Criteria: CeGaT Center For Human Genetics Tuebingen Variant Classification Criteria Version 2. Collection method: clinical testing. Allele origin: germline. Affected: yes. Observed: 1 variant allele.

PreventionGenetics, part of Exact Sciences
Classification: Uncertain significance for MKS1-related condition. Last evaluated: 2024-03-27. Review status: no assertion criteria provided. Collection method: clinical testing. Allele origin: germline. Not counted in ClinVar's aggregate classification.
Comment: The MKS1 c.1588G>A variant is predicted to result in the amino acid substitution p.Gly530Ser. In the more commonly reported transcript (NM_017777.4:c.1671G>A, p.=), this variant is predicted to result in a synonymous variant that does not affect splicing (spliceAI, Jaganathan et al. 2019. PubMed ID: 30661751).To our knowledge, this variant has not been reported in the literature. This variant is reported in 0.0064% of alleles in individuals of European (Non-Finnish) descent in gnomAD. At this time, the clinical significance of this variant is uncertain due to the absence of conclusive functional and genetic evidence.

Natera, Inc.
Classification: Uncertain significance for Meckel syndrome type 1. Last evaluated: 2020-02-04. Review status: no assertion criteria provided. Collection method: clinical testing. Allele origin: germline. Not counted in ClinVar's aggregate classification.